The following is an entry in ClinVar:

NM_000051.4(ATM):c.4371A>C (p.Leu1457Phe)

Gene: ATM (ATM serine/threonine kinase; plus strand). Cytogenetic location: 11q22.3.
Variant type: single nucleotide variant.
Coding change: c.4371A>C on transcript NM_000051.4 (MANE Select); coding-DNA position 4371, A replaced by C.
Protein change: p.Leu1457Phe; replaces leucine 1457 with phenylalanine.
Molecular consequence: missense variant.
Genome position (GRCh38, 1-based): chr11:108,289,736, A>C. VCF-style: chr11-108289736-A-C. GRCh37 (hg19) VCF-style: chr11-108160463-A-C.
Other names: c.4371A>C, p.Leu1457Phe (NM_001351834.2); short protein forms L1457F.
Identifiers: ClinVar variation 651661 (VCV000651661.14), dbSNP rs765713557, ClinGen allele CA382532088.
Genomic context (GRCh38, chr11:108,289,736, plus strand): 5'-AATTCTTAAAATATATCACCTGTTTGTTAGTTTATTACTGAAAGATATAAAAAGTGGCTT[A>C]GGAGGAGCTTGGGCCTTTGTTCTTCGAGACGTTATTTATACTTTGATTCACTATATCAAC-3'
Protein context (NP_000042.3, residues 1447-1467): SLLLKDIKSG[Leu1457Phe]GGAWAFVLRD

ClinVar aggregate classification (germline): Uncertain significance. Review status: criteria provided, multiple submitters, no conflicts (2 of 4 stars). 4 submissions from 4 submitters: Uncertain significance (4). Last evaluated 2025-09-18.

Conditions:
Hereditary cancer-predisposing syndrome. Also called: Hereditary Cancer Syndrome; Tumor predisposition; Neoplastic Syndromes, Hereditary; Hereditary neoplastic syndrome. Identifiers: Orphanet 140162, MedGen C0027672, MeSH D009386, MONDO:0015356.
Ataxia-telangiectasia syndrome (AT). Also called: ATAXIA-TELANGIECTASIA, FRESNO VARIANT; Ataxia-telangiectasia, complementation group E; Ataxia telangiectasia (A-T); Cerebello-oculocutaneous telangiectasia; Immunodeficiency with ataxia telangiectasia; LOUIS-BAR SYNDROME. Identifiers: Orphanet 100, MedGen C0004135, MONDO:0008840, OMIM 208900.

Allele frequency attached by ClinVar (database versions not stated): TOPMed below 0.00001; gnomAD 0.00001.
gnomAD v4.1: 1 of 1,613,694 alleles (0.000062%); highest among the groups gnomAD compares: African/African-American, 0.0013%; no homozygotes.

Submissions (4):

Ambry Genetics
Classification: Uncertain significance for Hereditary cancer-predisposing syndrome. Last evaluated: 2025-09-18. Review status: criteria provided, single submitter. Criteria: Ambry Variant Classification Scheme 2023. Collection method: clinical testing. Allele origin: germline.
Comment: The p.L1457F variant (also known as c.4371A>C), located in coding exon 28 of the ATM gene, results from an A to C substitution at nucleotide position 4371. The leucine at codon 1457 is replaced by phenylalanine, an amino acid with highly similar properties. This amino acid position is highly conserved in available vertebrate species. In addition, this alteration is predicted to be deleterious by in silico analysis. Since supporting evidence is limited at this time, the clinical significance of this alteration remains unclear.

Color Diagnostics, LLC DBA Color Health
Classification: Uncertain significance for Hereditary cancer-predisposing syndrome. Last evaluated: 2025-02-10. Review status: criteria provided, single submitter. Criteria: ACMG Guidelines, 2015. Collection method: clinical testing. Allele origin: germline.
Comment: This missense variant replaces leucine with phenylalanine at codon 1457 of the ATM protein. Computational prediction suggests that this variant may not impact protein structure and function (internally defined REVEL score threshold <= 0.5, PMID: 27666373). To our knowledge, functional studies have not been reported for this variant. This variant has not been reported in individuals affected with ATM-related disorders in the literature. This variant has not been identified in the general population by the Genome Aggregation Database (gnomAD). The available evidence is insufficient to determine the role of this variant in disease conclusively. Therefore, this variant is classified as a Variant of Uncertain Significance.

GeneDx
Classification: Uncertain significance. Last evaluated: 2024-08-26. Review status: criteria provided, single submitter. Criteria: GeneDx Variant Classification Process June 2021. Collection method: clinical testing. Allele origin: germline. Affected: yes.
Comment: Not observed at significant frequency in large population cohorts (gnomAD); In silico analysis indicates that this missense variant does not alter protein structure/function; Has not been previously published as pathogenic or benign to our knowledge

Labcorp Genetics (formerly Invitae), Labcorp
Classification: Uncertain significance for Ataxia-telangiectasia syndrome. Last evaluated: 2023-12-18. Review status: criteria provided, single submitter. Criteria: Invitae Variant Classification Sherloc (09022015). Collection method: clinical testing. Allele origin: germline.
Comment: This sequence change replaces leucine, which is neutral and non-polar, with phenylalanine, which is neutral and non-polar, at codon 1457 of the ATM protein (p.Leu1457Phe). This variant is not present in population databases (gnomAD no frequency). This variant has not been reported in the literature in individuals affected with ATM-related conditions. ClinVar contains an entry for this variant (Variation ID: 651661). An algorithm developed to predict the effect of missense changes on protein structure and function (PolyPhen-2) suggests that this variant is likely to be disruptive. In summary, the available evidence is currently insufficient to determine the role of this variant in disease. Therefore, it has been classified as a Variant of Uncertain Significance.